The following is an entry in ClinVar:

NM_007347.5(AP4E1):c.2346+10C>T

Gene: AP4E1 (adaptor related protein complex 4 subunit epsilon 1; plus strand). Cytogenetic location: 15q21.2.
Variant type: single nucleotide variant.
Coding change: c.2346+10C>T on transcript NM_007347.5 (MANE Select); 10 bases into the intron after coding-DNA position 2346, C replaced by T.
Molecular consequence: intron variant.
Genome position (GRCh38, 1-based): chr15:50,993,635, C>T. VCF-style: chr15-50993635-C-T. GRCh37 (hg19) VCF-style: chr15-51285832-C-T.
Other names: c.2121+10C>T (NM_001252127.2).
Identifiers: ClinVar variation 508353 (VCV000508353.16), dbSNP rs112190952, ClinGen allele CA7559295.

ClinVar aggregate classification (germline): Benign/Likely benign. Review status: criteria provided, multiple submitters, no conflicts (2 of 4 stars). 6 submissions from 5 submitters: Benign (3); Likely benign (3). Last evaluated 2026-02-01.

Conditions:
Stuttering, familial persistent, 1. Also called: STAMMERING. Identifiers: MedGen C3489627, MONDO:0008483, OMIM 184450.
Spastic paraplegia. Identifiers: MedGen C0037772, HP:0001258.
Hereditary spastic paraplegia 51. Also called: CEREBRAL PALSY, SPASTIC QUADRIPLEGIC, 4; Spastic paraplegia 51, autosomal recessive. Identifiers: Orphanet 280763, MedGen C3151056, MONDO:0013401, OMIM 613744.

Allele frequency attached by ClinVar (database versions not stated): gnomAD exomes 0.00051; ExAC 0.00071; ESP Exome Variant Server 0.00200; gnomAD 0.00217 and 0.00228; TOPMed 0.00238; 1000 Genomes Project 30x 0.00265; 1000 Genomes Project 0.00300.
gnomAD v4.1: 718 of 1,613,698 alleles (0.044%); highest among the groups gnomAD compares: African/African-American, 0.83%; 5 homozygotes.

Submissions (6):

Labcorp Genetics (formerly Invitae), Labcorp
Classification: Benign for Spastic paraplegia. Last evaluated: 2026-02-01. Review status: criteria provided, single submitter. Criteria: Invitae Variant Classification Sherloc (09022015). Collection method: clinical testing. Allele origin: germline.

Blueprint Genetics
Classification: Likely benign. Last evaluated: 2024-05-02. Review status: criteria provided, single submitter. Criteria: ACMG Guidelines, 2015. Collection method: clinical testing. Allele origin: germline.

Genome-Nilou Lab
Classification: Benign for Hereditary spastic paraplegia 51. Last evaluated: 2021-12-05. Review status: criteria provided, single submitter. Criteria: ACMG Guidelines, 2015. Collection method: clinical testing. Allele origin: germline. Affected: no.

Genome-Nilou Lab
Classification: Benign for Stuttering, familial persistent, 1. Last evaluated: 2021-12-05. Review status: criteria provided, single submitter. Criteria: ACMG Guidelines, 2015. Collection method: clinical testing. Allele origin: germline. Affected: no.

Genetic Services Laboratory, University of Chicago
Classification: Likely benign. Last evaluated: 2018-12-05. Review status: criteria provided, single submitter. Criteria: ACMG Guidelines, 2015. Collection method: clinical testing. Allele origin: germline. Affected: no.

GeneDx
Classification: Likely benign. Last evaluated: 2017-03-27. Review status: criteria provided, single submitter. Criteria: GeneDx Variant Classification (06012015). Collection method: clinical testing. Allele origin: germline. Affected: yes.
Comment: This variant is considered likely benign or benign based on one or more of the following criteria: it is a conservative change, it occurs at a poorly conserved position in the protein, it is predicted to be benign by multiple in silico algorithms, and/or has population frequency not consistent with disease.